The following is an entry in ClinVar:

ClinVar aggregate classification (germline): Likely pathogenic (1 of 4 stars; one submission).

Conditions:
Inborn genetic diseases. Identifiers: MedGen C0950123, MeSH D030342.

Submission:

Ambry Genetics
Classification: Likely pathogenic for Inborn genetic diseases. Last evaluated: 2014-10-13. Review status: criteria provided, single submitter. Criteria: Ambry Variant Classification Scheme 2023. Collection method: clinical testing. Allele origin: germline.
Comment: The c.1679_1689delCGGACGACGGC (p.P560QFS*23) alteration, located in exon 9 (coding exon 9) of the DLL4 gene, consists of a deletion of 11 nucleotides from position 1679 to 1689, causing a translational frameshift with a predicted alternate stop codon after 23 amino acids. Frameshift alterations are typically deleterious in nature (Richards, 2015). Based on the available evidence, this alteration is classified as likely pathogenic.

NM_019074.4(DLL4):c.1679_1689del (p.Pro560fs)

Gene: DLL4 (delta like canonical Notch ligand 4; plus strand). Cytogenetic location: 15q15.1.
Variant type: Deletion.
Coding change: c.1679_1689del on transcript NM_019074.4 (MANE Select); coding-DNA positions 1679 to 1689, 11 bases deleted (CGGACGACGGC).
Protein change: p.Pro560fs; shifts the reading frame from proline 560.
Molecular consequence: frameshift variant.
Genome position (GRCh38, 1-based): chr15:40,936,666-40,936,676, CGGACGACGGC deleted; deleting any 11 consecutive bases within chr15:40,936,659-40,936,676 gives the same sequence; the c. name uses the placement nearest the transcript's 3' end. VCF-style (leftmost placement, unchanged base first): chr15-40936658-TCGACGGCCGGA-T. GRCh37 (hg19) VCF-style: chr15-41228856-TCGACGGCCGGA-T.
Other names: short protein forms P560fs.
Identifiers: ClinVar variation 520578 (VCV000520578.5), dbSNP rs1555393172, ClinGen allele CA658798302.